The following is an entry in ClinVar:

NM_000051.4(ATM):c.8606G>A (p.Gly2869Asp)

Genes: ATM (ATM serine/threonine kinase; plus strand), C11orf65 (chromosome 11 open reading frame 65; minus strand). Cytogenetic location: 11q22.3.
Variant type: single nucleotide variant.
Coding change: c.8606G>A on transcript NM_000051.4 (MANE Select); coding-DNA position 8606, G replaced by A.
Protein change: p.Gly2869Asp; replaces glycine 2869 with aspartic acid.
Molecular consequence: missense variant. On other transcripts: intron variant (2).
Genome position (GRCh38, 1-based): chr11:108,347,300, G>A. VCF-style: chr11-108347300-G-A. GRCh37 (hg19) VCF-style: chr11-108218027-G-A.
Other names: c.8606G>A, p.Gly2869Asp (NM_001351834.2); c.641-38229C>T (NM_001330368.2); c.695-12008C>T (NM_001351110.2); short protein forms G2869D.
Identifiers: ClinVar variation 524273 (VCV000524273.21), dbSNP rs1555139531, ClinGen allele CA382520532.

ClinVar aggregate classification (germline): Uncertain significance. Review status: criteria provided, multiple submitters, no conflicts (2 of 4 stars). 3 submissions from 3 submitters: Uncertain significance (2). 1 of the submissions does not count toward it. Last evaluated 2025-06-21.

Conditions:
Hereditary cancer-predisposing syndrome. Also called: Hereditary Cancer Syndrome; Neoplastic Syndromes, Hereditary; Tumor predisposition; Hereditary neoplastic syndrome. Identifiers: Orphanet 140162, MedGen C0027672, MeSH D009386, MONDO:0015356.
Ataxia-telangiectasia syndrome (AT). Also called: Cerebello-oculocutaneous telangiectasia; Immunodeficiency with ataxia telangiectasia; Ataxia-telangiectasia, complementation group E; Ataxia-telangiectasia, complementation group D; AT, COMPLEMENTATION GROUP C; ATAXIA-TELANGIECTASIA, COMPLEMENTATION GROUP A. Identifiers: Orphanet 100, MedGen C0004135, MONDO:0008840, OMIM 208900.

Submissions (3):

Ambry Genetics
Classification: Uncertain significance for Hereditary cancer-predisposing syndrome. Last evaluated: 2025-06-21. Review status: criteria provided, single submitter. Criteria: Ambry Variant Classification Scheme 2023. Collection method: clinical testing. Allele origin: germline.
Comment: The p.G2869D variant (also known as c.8606G>A), located in coding exon 58 of the ATM gene, results from a G to A substitution at nucleotide position 8606. The glycine at codon 2869 is replaced by aspartic acid, an amino acid with similar properties. This amino acid position is highly conserved in available vertebrate species. In addition, this alteration is predicted to be deleterious by in silico analysis. Since supporting evidence is limited at this time, the clinical significance of this alteration remains unclear.

Labcorp Genetics (formerly Invitae), Labcorp
Classification: Uncertain significance for Ataxia-telangiectasia syndrome. Last evaluated: 2024-07-20. Review status: criteria provided, single submitter. Criteria: Invitae Variant Classification Sherloc (09022015). Collection method: clinical testing. Allele origin: germline.
Comment: This sequence change replaces glycine, which is neutral and non-polar, with aspartic acid, which is acidic and polar, at codon 2869 of the ATM protein (p.Gly2869Asp). This variant is not present in population databases (gnomAD no frequency). This variant has not been reported in the literature in individuals affected with ATM-related conditions. ClinVar contains an entry for this variant (Variation ID: 524273). An algorithm developed to predict the effect of missense changes on protein structure and function (PolyPhen-2) suggests that this variant is likely to be disruptive. In summary, the available evidence is currently insufficient to determine the role of this variant in disease. Therefore, it has been classified as a Variant of Uncertain Significance.

Natera, Inc.
Classification: Uncertain significance for Ataxia-telangiectasia. Last evaluated: 2021-06-17. Review status: no assertion criteria provided. Collection method: clinical testing. Allele origin: germline. Not counted in ClinVar's aggregate classification.